The following is an entry in ClinVar:

NM_024675.4(PALB2):c.3066G>T (p.Met1022Ile)

Gene: PALB2 (partner and localizer of BRCA2; minus strand). Cytogenetic location: 16p12.2.
Variant type: single nucleotide variant.
Coding change: c.3066G>T on transcript NM_024675.4 (MANE Select); coding-DNA position 3066, G replaced by T.
Protein change: p.Met1022Ile; replaces methionine 1022 with isoleucine.
Molecular consequence: missense variant.
Genome position (GRCh38, 1-based): chr16:23,621,409, C>A on the plus strand (G>T on the coding strand, the complement: PALB2 is on the minus strand). VCF-style: chr16-23621409-C-A. GRCh37 (hg19) VCF-style: chr16-23632730-C-A.
Other names: short protein forms M1022I.
Identifiers: ClinVar variation 1495793 (VCV001495793.9), dbSNP rs1220966608, ClinGen allele CA395142964.
Genomic context (GRCh38, chr16:23,621,409, plus strand): 5'-AGGGAAAGCTTACCAAATAACAATGTTGTTCATAATAGTAGTACCAAGCAGAGCTTCTTG[C>A]ATCCCTTGGACCTCAGCAAAAGTTAGTATAGTCTCCTCAGGGGGCATCAAAAATTGGTTT-3'
Protein context (NP_078951.2, residues 1012-1032): TILTFAEVQG[Met1022Ile]QEALLGTTIM

ClinVar aggregate classification (germline): Uncertain significance (1 of 4 stars; one submission).

Conditions:
Familial cancer of breast. Also called: hereditary breast carcinoma; Hereditary breast cancer; BREAST CANCER, FAMILIAL. Identifiers: Orphanet 227535, MedGen C0346153, MONDO:0016419, OMIM 114480. Disease mechanism: loss of function.

Submission:

Labcorp Genetics (formerly Invitae), Labcorp
Classification: Uncertain significance for Familial cancer of breast. Last evaluated: 2020-12-21. Review status: criteria provided, single submitter. Criteria: Invitae Variant Classification Sherloc (09022015). Collection method: clinical testing. Allele origin: germline.
Comment: In summary, the available evidence is currently insufficient to determine the role of this variant in disease. Therefore, it has been classified as a Variant of Uncertain Significance. Algorithms developed to predict the effect of missense changes on protein structure and function (SIFT, PolyPhen-2, Align-GVGD) all suggest that this variant is likely to be tolerated, but these predictions have not been confirmed by published functional studies and their clinical significance is uncertain. This variant has not been reported in the literature in individuals with PALB2-related conditions. This variant is not present in population databases (ExAC no frequency). This sequence change replaces methionine with isoleucine at codon 1022 of the PALB2 protein (p.Met1022Ile). The methionine residue is moderately conserved and there is a small physicochemical difference between methionine and isoleucine.